The following is an entry in ClinVar:

NM_002460.4(IRF4):c.767T>G (p.Leu256Arg)

Gene: IRF4 (interferon regulatory factor 4; plus strand). Cytogenetic location: 6p25.3.
Variant type: single nucleotide variant.
Coding change: c.767T>G on transcript NM_002460.4 (MANE Select); coding-DNA position 767, T replaced by G.
Protein change: p.Leu256Arg; replaces leucine 256 with arginine.
Molecular consequence: missense variant. On other transcripts: non-coding transcript variant (1).
Genome position (GRCh38, 1-based): chr6:401,445, T>G. VCF-style: chr6-401445-T-G. GRCh37 (hg19) VCF-style: chr6-401445-T-G.
Other names: c.764T>G, p.Leu255Arg (NM_001195286.2); short protein forms L255R, L256R.
Identifiers: ClinVar variation 2277859 (VCV002277859.5), dbSNP rs2480824759, ClinGen allele CA362548644.

ClinVar aggregate classification (germline): Uncertain significance. Review status: criteria provided, multiple submitters, no conflicts (2 of 4 stars). 2 submissions from 2 submitters: Uncertain significance (2). Last evaluated 2023-08-30.

Submissions (2):

Labcorp Genetics (formerly Invitae), Labcorp
Classification: Uncertain significance. Last evaluated: 2023-08-30. Review status: criteria provided, single submitter. Criteria: Invitae Variant Classification Sherloc (09022015). Collection method: clinical testing. Allele origin: germline.
Comment: ClinVar contains an entry for this variant (Variation ID: 2277859). This sequence change replaces leucine, which is neutral and non-polar, with arginine, which is basic and polar, at codon 256 of the IRF4 protein (p.Leu256Arg). This variant is not present in population databases (gnomAD no frequency). This variant has not been reported in the literature in individuals affected with IRF4-related conditions. An algorithm developed to predict the effect of missense changes on protein structure and function (PolyPhen-2) suggests that this variant is likely to be disruptive. In summary, the available evidence is currently insufficient to determine the role of this variant in disease. Therefore, it has been classified as a Variant of Uncertain Significance.

Ambry Genetics
Classification: Uncertain significance. Last evaluated: 2022-02-17. Review status: criteria provided, single submitter. Criteria: Ambry Variant Classification Scheme 2023. Collection method: clinical testing. Allele origin: germline.